The following is an entry in ClinVar:

NM_014336.5(AIPL1):c.813C>T (p.Ala271=)

Gene: AIPL1 (AIP like 1 HSP90 co-chaperone; minus strand). Cytogenetic location: 17p13.2.
Variant type: single nucleotide variant.
Coding change: c.813C>T on transcript NM_014336.5 (MANE Select); coding-DNA position 813, C replaced by T.
Protein change: p.Ala271=; no amino-acid change (alanine 271 retained).
Molecular consequence: synonymous variant. On other transcripts: 3 prime UTR variant (1).
Genome position (GRCh38, 1-based): chr17:6,425,802, G>A on the plus strand (C>T on the coding strand, the complement: AIPL1 is on the minus strand). VCF-style: chr17-6425802-G-A. GRCh37 (hg19) VCF-style: chr17-6329122-G-A.
Other names: c.813C>T (NM_014336.4); c.624C>T, p.Ala208= (NM_001033054.3); c.633C>T, p.Ala211= (NM_001033055.3); c.777C>T, p.Ala259= (NM_001285399.3); c.747C>T, p.Ala249= (NM_001285400.3); c.741C>T, p.Ala247= (NM_001285401.3); c.696C>T, p.Ala232= (NM_001285402.2); c.*784C>T (NM_001285403.4).
Identifiers: ClinVar variation 1155652 (VCV001155652.10), dbSNP rs776640481, ClinGen allele CA8328375.

ClinVar aggregate classification (germline): Likely benign. Review status: criteria provided, multiple submitters, no conflicts (2 of 4 stars). 2 submissions from 2 submitters: Likely benign (2). Last evaluated 2026-01-28.

Conditions:
Leber congenital amaurosis 4 (LCA4). Identifiers: MedGen C1858386, MONDO:0011458, OMIM 604393.
AIPL1-related disorder. Also called: AIPL1-related condition; AIPL1-related disorders. Identifiers: MedGen CN239169.

Allele frequency attached by ClinVar (database versions not stated): gnomAD exomes 0.00001 and 0.00007; gnomAD 0.00002; TOPMed 0.00002; ExAC 0.00003.
gnomAD v4.1: 18 of 1,605,212 alleles (0.0011%); highest among the groups gnomAD compares: East Asian, 0.04%; no homozygotes.

Submissions (2):

Labcorp Genetics (formerly Invitae), Labcorp
Classification: Likely benign for Leber congenital amaurosis 4. Last evaluated: 2026-01-28. Review status: criteria provided, single submitter. Criteria: Invitae Variant Classification Sherloc (09022015). Collection method: clinical testing. Allele origin: germline.

PreventionGenetics, part of Exact Sciences
Classification: Likely benign for AIPL1-related condition. Last evaluated: 2025-10-19. Review status: criteria provided, single submitter. Criteria: ACMG Guidelines, 2015. Collection method: clinical testing. Allele origin: germline.
Comment: This variant is classified as likely benign based on ACMG/AMP sequence variant interpretation guidelines (Richards et al. 2015 PMID: 25741868, with internal and published modifications).